The following is an entry in ClinVar:

ClinVar aggregate classification (germline): Benign/Likely benign. Review status: criteria provided, multiple submitters, no conflicts (2 of 4 stars). 3 submissions from 3 submitters: Benign (1); Likely benign (2). Last evaluated 2018-10-05.

Conditions:
Frontotemporal dementia and/or amyotrophic lateral sclerosis 7 (FTDALS7). Also called: CHMP2B-Related Frontotemporal Dementia-Amyotrophic Lateral Sclerosis; CHMP2B-related frontotemporal dementia; AMYOTROPHIC LATERAL SCLEROSIS, CHMP2B-RELATED; Amyotrophic lateral sclerosis 17. Identifiers: Orphanet 275864, Orphanet 282, Orphanet 803, MedGen C1833296, MONDO:0010936, OMIM 600795.

Allele frequency attached by ClinVar (database versions not stated): 1000 Genomes Project 30x 0.00547; 1000 Genomes Project 0.00579; gnomAD 0.01016 and 0.01035; TOPMed 0.01085; gnomAD exomes 0.01254.
gnomAD v4.1: 9,539 of 786,944 alleles (1.2%); highest among the groups gnomAD compares: Non-Finnish European, 1.5%; 75 homozygotes.

Submissions (3):

GeneDx
Classification: Likely benign. Last evaluated: 2018-10-05. Review status: criteria provided, single submitter. Criteria: GeneDx Variant Classification Process June 2021. Collection method: clinical testing. Allele origin: germline. Affected: yes.

Illumina Laboratory Services, Illumina
Classification: Benign for Frontotemporal dementia and/or amyotrophic lateral sclerosis 7. Last evaluated: 2018-01-12. Review status: criteria provided, single submitter. Criteria: ICSL Variant Classification Criteria 13 December 2019. Collection method: clinical testing. Allele origin: germline.
Comment: This variant was observed in the ICSL laboratory as part of a predisposition screen in an ostensibly healthy population. It had not been previously curated by ICSL or reported in the Human Gene Mutation Database (HGMD: prior to June 1st, 2018), and was therefore a candidate for classification through an automated scoring system. Utilizing variant allele frequency, disease prevalence and penetrance estimates, and inheritance mode, an automated score was calculated to assess if this variant is too frequent to cause the disease. Based on the score and internal cut-off values, a variant classified as benign is not then subjected to further curation. The score for this variant resulted in a classification of benign for this disease.

Breakthrough Genomics
Classification: Likely benign. Review status: criteria provided, single submitter. Criteria: ACMG Guidelines, 2015. Collection method: not provided. Allele origin: germline. Inheritance: Autosomal dominant inheritance. Affected: yes.

NM_014043.4(CHMP2B):c.-151C>A

Gene: CHMP2B (charged multivesicular body protein 2B; plus strand). Cytogenetic location: 3p11.2.
Variant type: single nucleotide variant.
Coding change: c.-151C>A on transcript NM_014043.4 (MANE Select); 151 bases upstream of the start codon, C replaced by A.
Molecular consequence: 5 prime UTR variant.
Genome position (GRCh38, 1-based): chr3:87,227,372, C>A. VCF-style: chr3-87227372-C-A. GRCh37 (hg19) VCF-style: chr3-87276522-C-A.
Other names: c.-182C>A (NM_001244644.2).
Identifiers: ClinVar variation 346801 (VCV000346801.9), dbSNP rs77328592, ClinGen allele CA10619686.
Genomic context (GRCh38, chr3:87,227,372, plus strand): 5'-AGTTCCCGGTCACCTGAGCTCCGGGTGACGCGGCTGCGGTAGCTGCGGATACAAGCCTTC[C>A]GCGGGTCCTGCCTGGCGACCCCGACCTCCTCCTGCTGTCTCTCCGCTCCGCCACCCCGAA-3'